The following is an entry in ClinVar:

NM_001376.5(DYNC1H1):c.13663G>A (p.Ala4555Thr)

Gene: DYNC1H1 (dynein cytoplasmic 1 heavy chain 1; plus strand). Cytogenetic location: 14q32.31.
Variant type: single nucleotide variant.
Coding change: c.13663G>A on transcript NM_001376.5 (MANE Select); coding-DNA position 13663, G replaced by A.
Protein change: p.Ala4555Thr; replaces alanine 4555 with threonine.
Molecular consequence: missense variant.
Genome position (GRCh38, 1-based): chr14:102,049,861, G>A. VCF-style: chr14-102049861-G-A. GRCh37 (hg19) VCF-style: chr14-102516198-G-A.
Other names: c.13663G>A (NM_001376.4); short protein forms A4555T.
Identifiers: ClinVar variation 1445247 (VCV001445247.7), dbSNP rs375286762, ClinGen allele CA266989442.

ClinVar aggregate classification (germline): Uncertain significance. Review status: criteria provided, single submitter (1 of 4 stars). 2 submissions from 2 submitters: Uncertain significance (1). 1 of the submissions does not count toward it. Last evaluated 2021-08-17.

Conditions:
Charcot-Marie-Tooth disease axonal type 2O. Also called: CHARCOT-MARIE-TOOTH NEUROPATHY, AXONAL, TYPE 2O; CHARCOT-MARIE-TOOTH DISEASE, AXONAL, AUTOSOMAL DOMINANT, TYPE 2O; Charcot-Marie-Tooth Neuropathy Type 2O; Charcot-Marie-Tooth disease, axonal, type 20. Identifiers: Orphanet 284232, MedGen C3280220, MONDO:0013644, OMIM 614228.
DYNC1H1-related disorder. Also called: DYNC1H1-related condition; DYNC1H1-related disorders. Identifiers: MedGen CN381529.

Allele frequency attached by ClinVar (database versions not stated): TOPMed below 0.00001; gnomAD 0.00001; ESP Exome Variant Server 0.00008.
gnomAD v4.1: 2 of 1,613,736 alleles (0.00012%); highest among the groups gnomAD compares: African/African-American, 0.0027%; no homozygotes.

Submissions (2):

Labcorp Genetics (formerly Invitae), Labcorp
Classification: Uncertain significance for Charcot-Marie-Tooth disease axonal type 2O. Last evaluated: 2021-08-17. Review status: criteria provided, single submitter. Criteria: Invitae Variant Classification Sherloc (09022015). Collection method: clinical testing. Allele origin: germline.
Comment: This sequence change replaces alanine with threonine at codon 4555 of the DYNC1H1 protein (p.Ala4555Thr). The alanine residue is highly conserved and there is a small physicochemical difference between alanine and threonine. This variant is not present in population databases (ExAC no frequency). This variant has not been reported in the literature in individuals affected with DYNC1H1-related conditions. Advanced modeling of protein sequence and biophysical properties (such as structural, functional, and spatial information, amino acid conservation, physicochemical variation, residue mobility, and thermodynamic stability) performed at Invitae indicates that this missense variant is not expected to disrupt DYNC1H1 protein function. In summary, the available evidence is currently insufficient to determine the role of this variant in disease. Therefore, it has been classified as a Variant of Uncertain Significance.

PreventionGenetics, part of Exact Sciences
Classification: Uncertain significance for DYNC1H1-related condition. Last evaluated: 2024-04-23. Review status: no assertion criteria provided. Collection method: clinical testing. Allele origin: germline. Not counted in ClinVar's aggregate classification.
Comment: The DYNC1H1 c.13663G>A variant is predicted to result in the amino acid substitution p.Ala4555Thr. To our knowledge, this variant has not been reported in the literature or in a large population database, indicating this variant is rare. Although we suspect that this variant may be pathogenic, at this time, the clinical significance of this variant is uncertain due to the absence of conclusive functional and genetic evidence.